The following is an entry in ClinVar:

ClinVar aggregate classification (germline): Uncertain significance. Review status: criteria provided, single submitter (1 of 4 stars). 2 submissions from 2 submitters: Uncertain significance (1). 1 of the submissions does not count toward it. Last evaluated 2021-07-27.

Conditions:
Inborn genetic diseases. Identifiers: MedGen C0950123, MeSH D030342.
PRDM6-related disorder. Also called: PRDM6-related condition.

Allele frequency attached by ClinVar (database versions not stated): gnomAD exomes 0.00030; ExAC 0.00083; 1000 Genomes Project 30x 0.00156; 1000 Genomes Project 0.00160; ESP Exome Variant Server 0.00241; gnomAD 0.00296; TOPMed 0.00339.
gnomAD v4.1: 897 of 1,551,292 alleles (0.058%); highest among the groups gnomAD compares: African/African-American, 1.1%; 7 homozygotes.

Submissions (2):

Ambry Genetics
Classification: Uncertain significance for Inborn genetic diseases. Last evaluated: 2021-07-27. Review status: criteria provided, single submitter. Criteria: Ambry Variant Classification Scheme 2023. Collection method: clinical testing. Allele origin: germline.

PreventionGenetics, part of Exact Sciences
Classification: Likely benign for PRDM6-related condition. Last evaluated: 2019-05-02. Review status: no assertion criteria provided. Collection method: clinical testing. Allele origin: germline. Not counted in ClinVar's aggregate classification.
Comment: This variant is classified as likely benign based on ACMG/AMP sequence variant interpretation guidelines (Richards et al. 2015 PMID: 25741868, with internal and published modifications).

NM_001136239.4(PRDM6):c.1046G>A (p.Arg349Gln)

Gene: PRDM6 (PR/SET domain 6; plus strand). Cytogenetic location: 5q23.2.
Variant type: single nucleotide variant.
Coding change: c.1046G>A on transcript NM_001136239.4 (MANE Select); coding-DNA position 1046, G replaced by A.
Protein change: p.Arg349Gln; replaces arginine 349 with glutamine.
Molecular consequence: missense variant.
Genome position (GRCh38, 1-based): chr5:123,159,531, G>A. VCF-style: chr5-123159531-G-A. GRCh37 (hg19) VCF-style: chr5-122495225-G-A.
Other names: short protein forms R349Q.
Identifiers: ClinVar variation 2401388 (VCV002401388.4), dbSNP rs188389734, ClinGen allele CA3386410.